The following is an entry in ClinVar:

NM_031448.6(C19orf12):c.211_212dup (p.Pro72fs)

Gene: C19orf12 (chromosome 19 open reading frame 12; minus strand). Cytogenetic location: 19q12.
Variant type: Duplication.
Coding change: c.211_212dup on transcript NM_031448.6 (MANE Select); coding-DNA positions 211 to 212, 2 bases duplicated (AA; older notation c.211_212dupAA).
Protein change: p.Pro72fs; shifts the reading frame from proline 72.
Molecular consequence: frameshift variant.
Genome position (GRCh38, 1-based): chr19:29,702,926-29,702,927, TT duplicated on the plus strand (AA on the coding strand, the reverse complement: C19orf12 is on the minus strand). VCF-style (leftmost placement, unchanged base first): chr19-29702925-C-CTT. GRCh37 (hg19) VCF-style: chr19-30193832-C-CTT.
Other names: c.211_212dup, p.Pro72fs (NM_001031726.4, NM_001256046.3, NM_001256047.2); c.19_20dup, p.Pro8fs (NM_001282929.1, NM_001282930.3, NM_001282931.3); short protein forms P8fs, P72fs, P83fs.
Identifiers: ClinVar variation 948098 (VCV000948098.9), dbSNP rs1972186898, ClinGen allele CA1139666389.

ClinVar aggregate classification (germline): Uncertain significance (1 of 4 stars; one submission).

Conditions:
Hereditary spastic paraplegia 43. Also called: Spastic paraplegia 43, autosomal recessive. Identifiers: Orphanet 320370, MedGen C2680446, MONDO:0014024, OMIM 615043.

Submission:

Labcorp Genetics (formerly Invitae), Labcorp
Classification: Uncertain significance for Hereditary spastic paraplegia 43. Last evaluated: 2021-05-13. Review status: criteria provided, single submitter. Criteria: Invitae Variant Classification Sherloc (09022015). Collection method: clinical testing. Allele origin: germline.
Comment: This variant has not been reported in the literature in individuals with C19orf12-related conditions. This variant is not present in population databases (ExAC no frequency). This sequence change creates a premature translational stop signal (p.Pro83Serfs*7) in the C19orf12 gene. While this is not anticipated to result in nonsense mediated decay, it is expected to disrupt the last 70 amino acid(s) of the C19orf12 protein. In summary, the available evidence is currently insufficient to determine the role of this variant in disease. Therefore, it has been classified as a Variant of Uncertain Significance.